The following is an entry in ClinVar:

ClinVar aggregate classification (germline): Uncertain significance. Review status: criteria provided, single submitter (1 of 4 stars). 2 submissions from 2 submitters: Uncertain significance (1). 1 of the submissions does not count toward it. Last evaluated 2022-05-04.

Conditions:
WDHD1-related disorder. Also called: WDHD1-related condition.

Allele frequency attached by ClinVar (database versions not stated): 1000 Genomes Project 0.00100; ESP Exome Variant Server 0.00108; 1000 Genomes Project 30x 0.00109; TOPMed 0.00125; ExAC 0.00138.
gnomAD v4.1: 2,565 of 1,612,254 alleles (0.16%); highest among the groups gnomAD compares: Non-Finnish European, 0.19%; 3 homozygotes.

Submissions (2):

Ambry Genetics
Classification: Uncertain significance. Last evaluated: 2022-05-04. Review status: criteria provided, single submitter. Criteria: Ambry Variant Classification Scheme 2023. Collection method: clinical testing. Allele origin: germline.

PreventionGenetics, part of Exact Sciences
Classification: Likely benign for WDHD1-related condition. Last evaluated: 2023-05-17. Review status: no assertion criteria provided. Collection method: clinical testing. Allele origin: germline. Not counted in ClinVar's aggregate classification.
Comment: This variant is classified as likely benign based on ACMG/AMP sequence variant interpretation guidelines (Richards et al. 2015 PMID: 25741868, with internal and published modifications).

NM_007086.4(WDHD1):c.991G>A (p.Asp331Asn)

Gene: WDHD1 (WD repeat and HMG-box DNA binding protein 1; minus strand). Cytogenetic location: 14q22.2.
Variant type: single nucleotide variant.
Coding change: c.991G>A on transcript NM_007086.4 (MANE Select); coding-DNA position 991, G replaced by A.
Protein change: p.Asp331Asn; replaces aspartic acid 331 with asparagine.
Molecular consequence: missense variant.
Genome position (GRCh38, 1-based): chr14:54,995,765, C>T on the plus strand (G>A on the coding strand, the complement: WDHD1 is on the minus strand). VCF-style: chr14-54995765-C-T. GRCh37 (hg19) VCF-style: chr14-55462483-C-T.
Other names: c.622G>A, p.Asp208Asn (NM_001008396.3); short protein forms D208N, D331N.
Identifiers: ClinVar variation 3039721 (VCV003039721.3), dbSNP rs143976463, ClinGen allele CA7194485.
Genomic context (GRCh38, chr14:54,995,765, plus strand): 5'-TTGAAAAAGAAGGGATCTCAACTGCATTGTCATTTAGAAAATCACCAGCATTACTCATAT[C>T]ATCTCCATCAAAAAGATCATTATAATCCTTTTCCACTCTGCTAGATACCTTGAACAAATT-3'
Protein context (NP_009017.1, residues 321-341): KDYNDLFDGD[Asp331Asn]MSNAGDFLND